The following is an entry in ClinVar:

NM_004208.4(AIFM1):c.316C>A (p.Pro106Thr)

Genes: AIFM1 (apoptosis inducing factor mitochondria associated 1; minus strand), RAB33A (RAB33A, member RAS oncogene family; plus strand). Cytogenetic location: Xq26.1.
Variant type: single nucleotide variant.
Coding change: c.316C>A on transcript NM_004208.4 (MANE Select); coding-DNA position 316, C replaced by A.
Protein change: p.Pro106Thr; replaces proline 106 with threonine.
Molecular consequence: missense variant. On other transcripts: non-coding transcript variant (1).
Genome position (GRCh38, 1-based): chrX:130,149,502, G>T on the plus strand (C>A on the coding strand, the complement: AIFM1 is on the minus strand). VCF-style: chrX-130149502-G-T. GRCh37 (hg19) VCF-style: chrX-129283477-G-T.
Other names: c.316C>A, p.Pro106Thr (NM_001130847.4); c.304C>A, p.Pro102Thr (NM_145812.3); short protein forms P102T, P106T.
Identifiers: ClinVar variation 3757540 (VCV003757540.2).

ClinVar aggregate classification (germline): Uncertain significance (1 of 4 stars; one submission).

Conditions:
Charcot-Marie-Tooth Neuropathy X. Identifiers: MedGen CN118851.
Combined oxidative phosphorylation deficiency. Identifiers: MedGen C4540031, MONDO:0000732.

Submission:

Labcorp Genetics (formerly Invitae), Labcorp
Classification: Uncertain significance for Charcot-Marie-Tooth Neuropathy X; Combined oxidative phosphorylation deficiency. Last evaluated: 2024-08-05. Review status: criteria provided, single submitter. Criteria: Invitae Variant Classification Sherloc (09022015). Collection method: clinical testing. Allele origin: germline.
Comment: This sequence change replaces proline, which is neutral and non-polar, with threonine, which is neutral and polar, at codon 106 of the AIFM1 protein (p.Pro106Thr). This variant is not present in population databases (gnomAD no frequency). This variant has not been reported in the literature in individuals affected with AIFM1-related conditions. Advanced modeling of protein sequence and biophysical properties (such as structural, functional, and spatial information, amino acid conservation, physicochemical variation, residue mobility, and thermodynamic stability) performed at Invitae indicates that this missense variant is not expected to disrupt AIFM1 protein function with a negative predictive value of 80%. In summary, the available evidence is currently insufficient to determine the role of this variant in disease. Therefore, it has been classified as a Variant of Uncertain Significance.